The following is an entry in ClinVar:

ClinVar aggregate classification (germline): Uncertain significance (0 of 4 stars; one submission).

Conditions:
CNTN4-related disorder. Also called: CNTN4-related condition.

Allele frequency attached by ClinVar (database versions not stated): gnomAD 0.00001; TOPMed 0.00001; gnomAD exomes 0.00002; ESP Exome Variant Server 0.00008.
gnomAD v4.1: 27 of 1,613,508 alleles (0.0017%); highest among the groups gnomAD compares: Non-Finnish European, 0.0022%; no homozygotes.

Submission:

PreventionGenetics, part of Exact Sciences
Classification: Uncertain significance for CNTN4-related condition. Last evaluated: 2023-10-18. Review status: no assertion criteria provided. Collection method: clinical testing. Allele origin: germline.
Comment: The CNTN4 c.1427C>T variant is predicted to result in the amino acid substitution p.Thr476Ile. To our knowledge, this variant has not been reported in the literature or in a large population database, indicating this variant is rare. At this time, the clinical significance of this variant is uncertain due to the absence of conclusive functional and genetic evidence.

NM_175607.3(CNTN4):c.1427C>T (p.Thr476Ile)

Gene: CNTN4 (contactin 4; plus strand). Cytogenetic location: 3p26.2.
Variant type: single nucleotide variant.
Coding change: c.1427C>T on transcript NM_175607.3 (MANE Select); coding-DNA position 1427, C replaced by T.
Protein change: p.Thr476Ile; replaces threonine 476 with isoleucine.
Molecular consequence: missense variant.
Genome position (GRCh38, 1-based): chr3:2,988,413, C>T. VCF-style: chr3-2988413-C-T. GRCh37 (hg19) VCF-style: chr3-3030097-C-T.
Other names: c.1427C>T, p.Thr476Ile (NM_001206955.2, NM_001350095.2); c.443C>T, p.Thr148Ile (NM_001206956.2, NM_175613.3); short protein forms T148I, T476I.
Identifiers: ClinVar variation 2628671 (VCV002628671.3), dbSNP rs373660054, ClinGen allele CA68675947.